The following is an entry in ClinVar:

NM_001347721.2(DYRK1A):c.208-41del

Gene: DYRK1A (dual specificity tyrosine phosphorylation regulated kinase 1A; plus strand). Cytogenetic location: 21q22.13.
Variant type: Deletion.
Coding change: c.208-41del on transcript NM_001347721.2 (MANE Select); 41 bases into the intron before coding-DNA position 208, one base deleted (T; older notation c.208-41delT).
Molecular consequence: intron variant.
Genome position (GRCh38, 1-based): chr21:37,478,167, T deleted; the last of 4 consecutive T bases (chr21:37,478,164-37,478,167); deleting any one gives the same sequence. VCF-style (leftmost placement, unchanged base first): chr21-37478163-CT-C. GRCh37 (hg19) VCF-style: chr21-38850465-CT-C.
Other names: c.208-14del (NM_001396.5, NM_101395.2, NM_130438.2); c.208-41del (NM_001347722.2, NM_130436.2); c.121-41del (NM_001347723.2); c.208-14delT (NM_001396.3).
Identifiers: ClinVar variation 510639 (VCV000510639.2), dbSNP rs746060894, ClinGen allele CA10023745.

ClinVar aggregate classification (germline): Benign/Likely benign. Review status: criteria provided, multiple submitters, no conflicts (2 of 4 stars). 2 submissions from 2 submitters: Benign (1); Likely benign (1). Last evaluated 2025-09-17.

Conditions:
DYRK1A-related intellectual disability syndrome (MRD7). Also called: DYRK1A Syndrome; Intellectual developmental disorder, autosomal dominant 7. Identifiers: Orphanet 464306, MedGen C5568143, MONDO:0013578, OMIM 614104.

Submissions (2):

Labcorp Genetics (formerly Invitae), Labcorp
Classification: Benign for DYRK1A-related intellectual disability syndrome. Last evaluated: 2025-09-17. Review status: criteria provided, single submitter. Criteria: Invitae Variant Classification Sherloc (09022015). Collection method: clinical testing. Allele origin: germline.

GeneDx
Classification: Likely benign. Last evaluated: 2017-07-10. Review status: criteria provided, single submitter. Criteria: GeneDx Variant Classification (06012015). Collection method: clinical testing. Allele origin: germline. Affected: yes.
Comment: This variant is considered likely benign or benign based on one or more of the following criteria: it is a conservative change, it occurs at a poorly conserved position in the protein, it is predicted to be benign by multiple in silico algorithms, and/or has population frequency not consistent with disease.